The following is an entry in ClinVar:

ClinVar aggregate classification (germline): Uncertain significance (1 of 4 stars; one submission).

Submission:

Labcorp Genetics (formerly Invitae), Labcorp
Classification: Uncertain significance. Last evaluated: 2025-12-15. Review status: criteria provided, single submitter. Criteria: Invitae Variant Classification Sherloc (09022015). Collection method: clinical testing. Allele origin: germline.
Comment: This sequence change replaces proline, which is neutral and non-polar, with alanine, which is neutral and non-polar, at codon 253 of the GABRB1 protein (p.Pro253Ala). This variant is not present in population databases (gnomAD no frequency). This variant has not been reported in the literature in individuals affected with GABRB1-related conditions. Invitae Evidence Modeling of protein sequence and biophysical properties (such as structural, functional, and spatial information, amino acid conservation, physicochemical variation, residue mobility, and thermodynamic stability) indicates that this missense variant is expected to disrupt GABRB1 protein function with a positive predictive value of 80%. In summary, the available evidence is currently insufficient to determine the role of this variant in disease. Therefore, it has been classified as a Variant of Uncertain Significance.

NM_000812.4(GABRB1):c.757C>G (p.Pro253Ala)

Gene: GABRB1 (gamma-aminobutyric acid type A receptor subunit beta1; plus strand). Cytogenetic location: 4p12.
Variant type: single nucleotide variant.
Coding change: c.757C>G on transcript NM_000812.4 (MANE Select); coding-DNA position 757, C replaced by G.
Protein change: p.Pro253Ala; replaces proline 253 with alanine.
Molecular consequence: missense variant.
Genome position (GRCh38, 1-based): chr4:47,403,633, C>G. VCF-style: chr4-47403633-C-G. GRCh37 (hg19) VCF-style: chr4-47405650-C-G.
Other names: short protein forms P253A.
Identifiers: ClinVar variation 4743364 (VCV004743364.1).